The following is an entry in ClinVar:

ClinVar aggregate classification (germline): Uncertain significance. Review status: criteria provided, multiple submitters, no conflicts (2 of 4 stars). 2 submissions from 2 submitters: Uncertain significance (2). Last evaluated 2022-11-17.

Conditions:
Gastrointestinal stromal tumor. Also called: Gastrointestinal stroma tumor; Gastrointestinal stromal tumor, somatic. Identifiers: Orphanet 44890, MedGen C0238198, MeSH D046152, MONDO:0011719, OMIM 606764, HP:0100723.
Hereditary cancer-predisposing syndrome. Also called: Tumor predisposition; Hereditary Cancer Syndrome; Hereditary neoplastic syndrome; Neoplastic Syndromes, Hereditary. Identifiers: Orphanet 140162, MedGen C0027672, MeSH D009386, MONDO:0015356.

Submissions (2):

Ambry Genetics
Classification: Uncertain significance for Hereditary cancer-predisposing syndrome. Last evaluated: 2022-11-17. Review status: criteria provided, single submitter. Criteria: Ambry Variant Classification Scheme 2023. Collection method: clinical testing. Allele origin: germline.

Labcorp Genetics (formerly Invitae), Labcorp
Classification: Uncertain significance for Gastrointestinal stromal tumor. Last evaluated: 2021-10-23. Review status: criteria provided, single submitter. Criteria: Invitae Variant Classification Sherloc (09022015). Collection method: clinical testing. Allele origin: germline.
Comment: In summary, the available evidence is currently insufficient to determine the role of this variant in disease. Therefore, it has been classified as a Variant of Uncertain Significance. Algorithms developed to predict the effect of missense changes on protein structure and function are either unavailable or do not agree on the potential impact of this missense change (SIFT: "Deleterious"; PolyPhen-2: "Benign"; Align-GVGD: "Class C15"). This variant has not been reported in the literature in individuals affected with KIT-related conditions. This variant is not present in population databases (ExAC no frequency). This sequence change replaces glutamic acid with lysine at codon 930 of the KIT protein (p.Glu930Lys). The glutamic acid residue is weakly conserved and there is a small physicochemical difference between glutamic acid and lysine.

NM_000222.3(KIT):c.2788G>A (p.Glu930Lys)

Gene: KIT (KIT proto-oncogene, receptor tyrosine kinase; plus strand). Cytogenetic location: 4q12.
Variant type: single nucleotide variant.
Coding change: c.2788G>A on transcript NM_000222.3 (MANE Select); coding-DNA position 2788, G replaced by A.
Protein change: p.Glu930Lys; replaces glutamic acid 930 with lysine.
Molecular consequence: missense variant.
Genome position (GRCh38, 1-based): chr4:54,737,266, G>A. VCF-style: chr4-54737266-G-A. GRCh37 (hg19) VCF-style: chr4-55603432-G-A.
Other names: c.2776G>A, p.Glu926Lys (NM_001093772.2, NM_001385292.1); c.2791G>A, p.Glu931Lys (NM_001385284.1); c.2785G>A, p.Glu929Lys (NM_001385285.1); c.2773G>A, p.Glu925Lys (NM_001385286.1); c.2779G>A, p.Glu927Lys (NM_001385288.1); c.2788G>A, p.Glu930Lys (NM_001385290.1); short protein forms E930K, E927K, E929K, E931K, E925K, E926K.
Identifiers: ClinVar variation 1382173 (VCV001382173.8), dbSNP rs2109814171, ClinGen allele CA356914546.
Genomic context (GRCh38, chr4:54,737,266, plus strand): 5'-GATCCCCTAAAAAGACCAACATTCAAGCAAATTGTTCAGCTAATTGAGAAGCAGATTTCA[G>A]AGAGCACCAATCATGTGAGTATACCCTGGCCAGGCATAGAATCCCCCTTCTCCCAGTTCC-3'
Protein context (NP_000213.1, residues 920-940): IVQLIEKQIS[Glu930Lys]STNHIYSNLA